The following is an entry in ClinVar:

ClinVar aggregate classification (germline): Uncertain significance (1 of 4 stars; one submission).

Conditions:
Spastic paraplegia. Identifiers: MedGen C0037772, HP:0001258.

Submission:

Labcorp Genetics (formerly Invitae), Labcorp
Classification: Uncertain significance for Spastic paraplegia. Last evaluated: 2022-08-23. Review status: criteria provided, single submitter. Criteria: Invitae Variant Classification Sherloc (09022015). Collection method: clinical testing. Allele origin: germline.
Comment: In summary, the available evidence is currently insufficient to determine the role of this variant in disease. Therefore, it has been classified as a Variant of Uncertain Significance. Algorithms developed to predict the effect of missense changes on protein structure and function (SIFT, PolyPhen-2, Align-GVGD) all suggest that this variant is likely to be disruptive. This variant has not been reported in the literature in individuals affected with GJC2-related conditions. This variant is not present in population databases (gnomAD no frequency). This sequence change replaces alanine, which is neutral and non-polar, with threonine, which is neutral and polar, at codon 98 of the GJC2 protein (p.Ala98Thr).

NM_020435.4(GJC2):c.292G>A (p.Ala98Thr)

Gene: GJC2 (gap junction protein gamma 2; plus strand). Cytogenetic location: 1q42.13.
Variant type: single nucleotide variant.
Coding change: c.292G>A on transcript NM_020435.4 (MANE Select); coding-DNA position 292, G replaced by A.
Protein change: p.Ala98Thr; replaces alanine 98 with threonine.
Molecular consequence: missense variant.
Genome position (GRCh38, 1-based): chr1:228,158,050, G>A. VCF-style: chr1-228158050-G-A. GRCh37 (hg19) VCF-style: chr1-228345751-G-A.
Other names: short protein forms A98T.
Identifiers: ClinVar variation 2136900 (VCV002136900.4), dbSNP rs2527875624, ClinGen allele CA345097313.